The following is an entry in ClinVar:

NM_003482.4(KMT2D):c.14252-4T>C

Gene: KMT2D (lysine methyltransferase 2D; minus strand). Cytogenetic location: 12q13.12.
Variant type: single nucleotide variant.
Coding change: c.14252-4T>C on transcript NM_003482.4 (MANE Select); 4 bases into the intron before coding-DNA position 14252, T replaced by C.
Molecular consequence: intron variant.
Genome position (GRCh38, 1-based): chr12:49,028,962, A>G on the plus strand (T>C on the coding strand, the complement: KMT2D is on the minus strand). VCF-style: chr12-49028962-A-G. GRCh37 (hg19) VCF-style: chr12-49422745-A-G.
Identifiers: ClinVar variation 3346437 (VCV003346437.1).

ClinVar aggregate classification (germline): Likely benign (0 of 4 stars; one submission).

Conditions:
KMT2D-related disorder. Also called: KMT2D-Related Disorders.

gnomAD v4.1: 1 of 1,613,574 alleles (0.000062%); highest among the groups gnomAD compares: Non-Finnish European, 0.000085%; no homozygotes.

Submission:

PreventionGenetics, part of Exact Sciences
Classification: Likely benign for KMT2D-related condition. Last evaluated: 2024-08-26. Review status: no assertion criteria provided. Collection method: clinical testing. Allele origin: germline.
Comment: This variant is classified as likely benign based on ACMG/AMP sequence variant interpretation guidelines (Richards et al. 2015 PMID: 25741868, with internal and published modifications).